The following is an entry in ClinVar:

NM_152468.5(TMC8):c.133G>C (p.Asp45His)

Genes: TMC6 (transmembrane channel like 6; minus strand), TMC8 (transmembrane channel like 8; plus strand), LOC130061792 (ATAC-STARR-seq lymphoblastoid silent region 9043; plus strand). Cytogenetic location: 17q25.3.
Variant type: single nucleotide variant.
Coding change: c.133G>C on transcript NM_152468.5 (MANE Select); coding-DNA position 133, G replaced by C.
Protein change: p.Asp45His; replaces aspartic acid 45 with histidine.
Molecular consequence: missense variant. On other transcripts: intron variant (1).
Genome position (GRCh38, 1-based): chr17:78,131,721, G>C. VCF-style: chr17-78131721-G-C. GRCh37 (hg19) VCF-style: chr17-76127802-G-C.
Other names: c.-75+620C>G (NM_007267.7); short protein forms D45H.
Identifiers: ClinVar variation 580892 (VCV000580892.9), dbSNP rs779552203, ClinGen allele CA8796340.

ClinVar aggregate classification (germline): Uncertain significance. Review status: criteria provided, multiple submitters, no conflicts (2 of 4 stars). 2 submissions from 2 submitters: Uncertain significance (2). Last evaluated 2025-02-12.

Conditions:
Epidermodysplasia verruciformis. Identifiers: Orphanet 302, MedGen C0014522, MONDO:0009176.
Inborn genetic diseases. Identifiers: MedGen C0950123, MeSH D030342.

Allele frequency attached by ClinVar (database versions not stated): TOPMed 0.00009; gnomAD 0.00001 and 0.00002; gnomAD exomes 0.00012 and 0.00005; ExAC 0.00014.
gnomAD v4.1: 32 of 1,584,790 alleles (0.002%); highest among the groups gnomAD compares: Admixed American, 0.056%; no homozygotes.

Submissions (2):

Ambry Genetics
Classification: Uncertain significance for Inborn genetic diseases. Last evaluated: 2025-02-12. Review status: criteria provided, single submitter. Criteria: Ambry Variant Classification Scheme 2023. Collection method: clinical testing. Allele origin: germline.

Labcorp Genetics (formerly Invitae), Labcorp
Classification: Uncertain significance for Epidermodysplasia verruciformis. Last evaluated: 2023-10-14. Review status: criteria provided, single submitter. Criteria: Invitae Variant Classification Sherloc (09022015). Collection method: clinical testing. Allele origin: germline.
Comment: This sequence change replaces aspartic acid, which is acidic and polar, with histidine, which is basic and polar, at codon 45 of the TMC8 protein (p.Asp45His). This variant is present in population databases (rs779552203, gnomAD 0.08%). This variant has not been reported in the literature in individuals affected with TMC8-related conditions. ClinVar contains an entry for this variant (Variation ID: 580892). Advanced modeling of protein sequence and biophysical properties (such as structural, functional, and spatial information, amino acid conservation, physicochemical variation, residue mobility, and thermodynamic stability) performed at Invitae indicates that this missense variant is not expected to disrupt TMC8 protein function. In summary, the available evidence is currently insufficient to determine the role of this variant in disease. Therefore, it has been classified as a Variant of Uncertain Significance.